The following is an entry in ClinVar:

NM_006389.5(HYOU1):c.2820G>A (p.Lys940=)

Gene: HYOU1 (hypoxia up-regulated 1; minus strand). Cytogenetic location: 11q23.3.
Variant type: single nucleotide variant.
Coding change: c.2820G>A on transcript NM_006389.5 (MANE Select); coding-DNA position 2820, G replaced by A.
Protein change: p.Lys940=; no amino-acid change (lysine 940 retained).
Molecular consequence: synonymous variant.
Genome position (GRCh38, 1-based): chr11:119,046,578, C>T on the plus strand (G>A on the coding strand, the complement: HYOU1 is on the minus strand). VCF-style: chr11-119046578-C-T. GRCh37 (hg19) VCF-style: chr11-118917290-C-T.
Other names: c.2820G>A, p.Lys940= (NM_001130991.3, NM_001411041.1).
Identifiers: ClinVar variation 2972034 (VCV002972034.3), dbSNP rs1944090748, ClinGen allele CA2003801890.

ClinVar aggregate classification (germline): Uncertain significance (1 of 4 stars; one submission).

Allele frequency attached by ClinVar (database versions not stated): TOPMed below 0.00001; gnomAD exomes 0.00001.
gnomAD v4.1: 12 of 1,613,764 alleles (0.00074%); highest among the groups gnomAD compares: Non-Finnish European, 0.001%; no homozygotes.

Submission:

Labcorp Genetics (formerly Invitae), Labcorp
Classification: Uncertain significance. Last evaluated: 2023-01-05. Review status: criteria provided, single submitter. Criteria: Invitae Variant Classification Sherloc (09022015). Collection method: clinical testing. Allele origin: germline.
Comment: In summary, the available evidence is currently insufficient to determine the role of this variant in disease. Therefore, it has been classified as a Variant of Uncertain Significance. This variant has not been reported in the literature in individuals affected with HYOU1-related conditions. This variant is not present in population databases (gnomAD no frequency). This sequence change affects codon 940 of the HYOU1 mRNA. It is a 'silent' change, meaning that it does not change the encoded amino acid sequence of the HYOU1 protein.